The following is an entry in ClinVar:

ClinVar aggregate classification (germline): Likely benign. Review status: criteria provided, multiple submitters, no conflicts (2 of 4 stars). 3 submissions from 3 submitters: Likely benign (3). Last evaluated 2025-12-24.

Conditions:
MHC class I deficiency. Identifiers: Orphanet 34592, MedGen C6024714, MONDO:0011476.

Allele frequency attached by ClinVar (database versions not stated): ESP Exome Variant Server 0.00012; gnomAD 0.00103 and 0.00047; TOPMed 0.00120; ExAC 0.00023; gnomAD exomes 0.00023 and 0.00027; 1000 Genomes Project 0.00080; 1000 Genomes Project 30x 0.00094.
gnomAD v4.1: 544 of 1,613,056 alleles (0.034%); highest among the groups gnomAD compares: African/African-American, 0.069%; 3 homozygotes.

Submissions (3):

Labcorp Genetics (formerly Invitae), Labcorp
Classification: Likely benign for MHC class I deficiency 1. Last evaluated: 2025-12-24. Review status: criteria provided, single submitter. Criteria: Invitae Variant Classification Sherloc (09022015). Collection method: clinical testing. Allele origin: germline.

CeGaT Center for Human Genetics Tuebingen
Classification: Likely benign. Last evaluated: 2025-09-01. Review status: criteria provided, single submitter. Criteria: CeGaT Center For Human Genetics Tuebingen Variant Classification Criteria Version 2. Collection method: clinical testing. Allele origin: germline. Affected: yes. Observed: 4 variant alleles.
Comment: TAP2: BP4, BP7

Blueprint Genetics
Classification: Likely benign. Last evaluated: 2024-09-03. Review status: criteria provided, single submitter. Criteria: ACMG Guidelines, 2015. Collection method: clinical testing. Allele origin: germline.

NM_001290043.2(TAP2):c.1752C>T (p.His584=)

Gene: TAP2 (transporter 2, ATP binding cassette subfamily B member; minus strand). Cytogenetic location: 6p21.32.
Variant type: single nucleotide variant.
Coding change: c.1752C>T on transcript NM_001290043.2 (MANE Select); coding-DNA position 1752, C replaced by T.
Protein change: p.His584=; no amino-acid change (histidine 584 retained).
Molecular consequence: synonymous variant.
Genome position (GRCh38, 1-based): chr6:32,829,973, G>A on the plus strand (C>T on the coding strand, the complement: TAP2 is on the minus strand). VCF-style: chr6-32829973-G-A. GRCh37 (hg19) VCF-style: chr6-32797750-G-A.
Other names: c.1752C>T, p.His584= (NM_000544.3, NM_018833.3).
Identifiers: ClinVar variation 466368 (VCV000466368.36), dbSNP rs144543918, ClinGen allele CA3745811.